The following is an entry in ClinVar:

NM_001429.4(EP300):c.2572A>G (p.Thr858Ala)

Gene: EP300 (EP300 lysine acetyltransferase; plus strand). Cytogenetic location: 22q13.2.
Variant type: single nucleotide variant.
Coding change: c.2572A>G on transcript NM_001429.4 (MANE Select); coding-DNA position 2572, A replaced by G.
Protein change: p.Thr858Ala; replaces threonine 858 with alanine.
Molecular consequence: missense variant.
Genome position (GRCh38, 1-based): chr22:41,149,953, A>G. VCF-style: chr22-41149953-A-G. GRCh37 (hg19) VCF-style: chr22-41545957-A-G.
Other names: c.2494A>G, p.Thr832Ala (NM_001362843.2); short protein forms T832A, T858A.
Identifiers: ClinVar variation 772501 (VCV000772501.21), dbSNP rs201030855, ClinGen allele CA10252900.

ClinVar aggregate classification (germline): Benign/Likely benign. Review status: criteria provided, multiple submitters, no conflicts (2 of 4 stars). 3 submissions from 3 submitters: Benign (1); Likely benign (1). 1 of the submissions does not count toward it. Last evaluated 2025-05-04.

Conditions:
Rubinstein-Taybi syndrome due to EP300 haploinsufficiency. Also called: RUBINSTEIN-TAYBI SYNDROME 2; EP300-Related Rubinstein-Taybi Syndrome. Identifiers: Orphanet 353284, Orphanet 783, MedGen C3150941, MONDO:0013364, OMIM 613684.
EP300-related disorder. Also called: EP300-related condition; EP300-related disorders.

Allele frequency attached by ClinVar (database versions not stated): TOPMed 0.00002; gnomAD 0.00003; gnomAD exomes 0.00003 and 0.00006; ExAC 0.00004; ESP Exome Variant Server 0.00008; 1000 Genomes Project 30x 0.00016; 1000 Genomes Project 0.00020.
gnomAD v4.1: 98 of 1,613,690 alleles (0.0061%); highest among the groups gnomAD compares: Non-Finnish European, 0.008%; 1 homozygote.

Submissions (3):

Labcorp Genetics (formerly Invitae), Labcorp
Classification: Benign for Rubinstein-Taybi syndrome due to EP300 haploinsufficiency. Last evaluated: 2025-05-04. Review status: criteria provided, single submitter. Criteria: Invitae Variant Classification Sherloc (09022015). Collection method: clinical testing. Allele origin: germline.

CeGaT Center for Human Genetics Tuebingen
Classification: Likely benign. Last evaluated: 2024-08-01. Review status: criteria provided, single submitter. Criteria: CeGaT Center For Human Genetics Tuebingen Variant Classification Criteria Version 2. Collection method: clinical testing. Allele origin: germline. Affected: yes. Observed: 1 variant allele.
Comment: EP300: BP4, BS2

PreventionGenetics, part of Exact Sciences
Classification: Uncertain significance for EP300-related condition. Last evaluated: 2024-04-05. Review status: no assertion criteria provided. Collection method: clinical testing. Allele origin: germline. Not counted in ClinVar's aggregate classification.
Comment: The EP300 c.2572A>G variant is predicted to result in the amino acid substitution p.Thr858Ala. To our knowledge, this variant has not been reported in the literature. This variant is reported in 0.0062% of alleles in individuals of European (Non-Finnish) descent in gnomAD. Although we suspect that this variant may be benign, at this time, the clinical significance of this variant is uncertain due to the absence of conclusive functional and genetic evidence.